The following is an entry in ClinVar:

ClinVar aggregate classification (germline): Uncertain significance (1 of 4 stars; one submission).

Allele frequency attached by ClinVar (database versions not stated): gnomAD exomes below 0.00001.
gnomAD v4.1: 2 of 1,607,304 alleles (0.00012%); highest among the groups gnomAD compares: Non-Finnish European, 0.00017%; no homozygotes.

Submission:

Labcorp Genetics (formerly Invitae), Labcorp
Classification: Uncertain significance. Last evaluated: 2023-07-20. Review status: criteria provided, single submitter. Criteria: Invitae Variant Classification Sherloc (09022015). Collection method: clinical testing. Allele origin: germline.
Comment: In summary, the available evidence is currently insufficient to determine the role of this variant in disease. Therefore, it has been classified as a Variant of Uncertain Significance. An algorithm developed to predict the effect of missense changes on protein structure and function (PolyPhen-2) suggests that this variant is likely to be disruptive. This variant has not been reported in the literature in individuals affected with AHDC1-related conditions. This variant is not present in population databases (gnomAD no frequency). This sequence change replaces lysine, which is basic and polar, with arginine, which is basic and polar, at codon 685 of the AHDC1 protein (p.Lys685Arg).

NM_001371928.1(AHDC1):c.2054A>G (p.Lys685Arg)

Gene: AHDC1 (AT-hook DNA binding motif containing 1; minus strand). Cytogenetic location: 1p36.11.
Variant type: single nucleotide variant.
Coding change: c.2054A>G on transcript NM_001371928.1 (MANE Select); coding-DNA position 2054, A replaced by G.
Protein change: p.Lys685Arg; replaces lysine 685 with arginine.
Molecular consequence: missense variant.
Genome position (GRCh38, 1-based): chr1:27,550,062, T>C on the plus strand (A>G on the coding strand, the complement: AHDC1 is on the minus strand). VCF-style: chr1-27550062-T-C. GRCh37 (hg19) VCF-style: chr1-27876573-T-C.
Other names: c.2054A>G, p.Lys685Arg (NM_001029882.3); short protein forms K685R.
Identifiers: ClinVar variation 2878611 (VCV002878611.3), dbSNP rs993109614, ClinGen allele CA19876778.
Genomic context (GRCh38, chr1:27,550,062, plus strand): 5'-ACCACCTTCTTTTTCTTGCCGATGCCCTCAAAGAAGTCACTGAAGGAGCATCGGGCTGAC[T>C]TGGCCGCATGGCCCCCACCCCGGCCACCAAAACCGCCTGCTTTGCCCCCACGCCGCCGGA-3'
Protein context (NP_001358857.1, residues 675-695): FGGRGGGHAA[Lys685Arg]SARCSFSDFF